The following is an entry in ClinVar:

NM_024529.5(CDC73):c.1565T>C (p.Met522Thr)

Gene: CDC73 (cell division cycle 73; plus strand). Cytogenetic location: 1q31.2.
Variant type: single nucleotide variant.
Coding change: c.1565T>C on transcript NM_024529.5 (MANE Select); coding-DNA position 1565, T replaced by C.
Protein change: p.Met522Thr; replaces methionine 522 with threonine.
Molecular consequence: missense variant.
Genome position (GRCh38, 1-based): chr1:193,250,681, T>C. VCF-style: chr1-193250681-T-C. GRCh37 (hg19) VCF-style: chr1-193219811-T-C.
Other names: short protein forms M522T.
Identifiers: ClinVar variation 3488542 (VCV003488542.1).

ClinVar aggregate classification (germline): Uncertain significance (1 of 4 stars; one submission).

Conditions:
Hereditary cancer-predisposing syndrome. Also called: Tumor predisposition; Neoplastic Syndromes, Hereditary; Hereditary Cancer Syndrome; Hereditary neoplastic syndrome. Identifiers: Orphanet 140162, MedGen C0027672, MeSH D009386, MONDO:0015356.

Submission:

Ambry Genetics
Classification: Uncertain significance for Hereditary cancer-predisposing syndrome. Last evaluated: 2024-11-30. Review status: criteria provided, single submitter. Criteria: Ambry Variant Classification Scheme 2023. Collection method: clinical testing. Allele origin: germline.
Comment: The p.M522T variant (also known as c.1565T>C), located in coding exon 17 of the CDC73 gene, results from a T to C substitution at nucleotide position 1565. The methionine at codon 522 is replaced by threonine, an amino acid with similar properties. This amino acid position is conserved. In addition, this alteration is predicted to be deleterious by in silico analysis. Based on the available evidence, the clinical significance of this variant remains unclear.